The following is an entry in ClinVar:

NM_003721.4(RFXANK):c.428T>C (p.Leu143Pro)

Gene: RFXANK (regulatory factor X associated ankyrin containing protein; plus strand). Cytogenetic location: 19p13.11.
Variant type: single nucleotide variant.
Coding change: c.428T>C on transcript NM_003721.4 (MANE Select); coding-DNA position 428, T replaced by C.
Protein change: p.Leu143Pro; replaces leucine 143 with proline.
Molecular consequence: missense variant.
Genome position (GRCh38, 1-based): chr19:19,197,611, T>C. VCF-style: chr19-19197611-T-C. GRCh37 (hg19) VCF-style: chr19-19308420-T-C.
Other names: c.362T>C, p.Leu121Pro (NM_001278727.2, NM_001370234.1); c.359T>C, p.Leu120Pro (NM_001278728.2, NM_134440.3); c.428T>C, p.Leu143Pro (NM_001370233.1, NM_001370238.1); c.425T>C, p.Leu142Pro (NM_001370235.1, NM_001370236.1, NM_001370237.1); short protein forms L120P, L121P, L142P, L143P.
Identifiers: ClinVar variation 4856317 (VCV004856317.1).
Genomic context (GRCh38, chr19:19,197,611, plus strand): 5'-GCGGCTTCACCCCCCTCATCTGGGCCTCCGCCTTTGGAGAGATTGAGACCGTTCGCTTCC[T>C]GCTGGAGTGGGTGCGTCCCAGCCCAGCTGGGCAGCTGGGGGGTTCCCGGGGGCCTTAGGG-3'
Protein context (NP_003712.1, residues 133-153): AFGEIETVRF[Leu143Pro]LEWGADPHIL

ClinVar aggregate classification (germline): Uncertain significance (1 of 4 stars; one submission).

Conditions:
MHC class II deficiency 2. Also called: Bare lymphocyte syndrome, type II, complementation group B. Identifiers: MedGen C1859535, MONDO:0971013, OMIM 620815.

Submission:

3billion
Classification: Uncertain significance for MHC class II deficiency 2. Last evaluated: 2026-01-28. Review status: criteria provided, single submitter. Criteria: ACMG Guidelines, 2015. Collection method: clinical testing. Allele origin: germline. Affected: yes.
Comment: The variant is not observed in the gnomAD v4.1.0 dataset. Predicted Consequence/Location: Missense variant In silico tool prediction suggests damaging effect of the variant on gene or gene product [REVEL: 0.95 (>=0.6, sensitivity 0.68 and specificity 0.92)]. Therefore, this variant is classified as VUS according to the recommendation of ACMG/AMP guideline.